The following is an entry in ClinVar:

NM_001099922.3(ALG13):c.2815C>T (p.Pro939Ser)

Gene: ALG13 (ALG13 UDP-N-acetylglucosaminyltransferase subunit; plus strand). Cytogenetic location: Xq23.
Variant type: single nucleotide variant.
Coding change: c.2815C>T on transcript NM_001099922.3 (MANE Select); coding-DNA position 2815, C replaced by T.
Protein change: p.Pro939Ser; replaces proline 939 with serine.
Molecular consequence: missense variant. On other transcripts: intron variant (5).
Genome position (GRCh38, 1-based): chrX:111,744,787, C>T. VCF-style: chrX-111744787-C-T. GRCh37 (hg19) VCF-style: chrX-110988015-C-T.
Other names: c.2581C>T, p.Pro861Ser (NM_001257231.2); c.2383+7908C>T (NM_001257237.2, NM_001257234.2, NM_001257230.2); c.2209+7908C>T (NM_001324293.1); c.2695+7908C>T (NM_001324292.2); short protein forms P861S, P939S.
Identifiers: ClinVar variation 2708697 (VCV002708697.3), dbSNP rs1944085467, ClinGen allele CA414291571.

ClinVar aggregate classification (germline): Uncertain significance (1 of 4 stars; one submission).

Conditions:
Developmental and epileptic encephalopathy, 36 (DEE36). Also called: Epileptic encephalopathy, early infantile, 36; ALG13-CDG; Congenital disorder of glycosylation, type Is. Identifiers: Orphanet 324422, MedGen C4317295, MONDO:0010472, OMIM 300884.

Submission:

Labcorp Genetics (formerly Invitae), Labcorp
Classification: Uncertain significance for Developmental and epileptic encephalopathy, 36. Last evaluated: 2024-01-10. Review status: criteria provided, single submitter. Criteria: Invitae Variant Classification Sherloc (09022015). Collection method: clinical testing. Allele origin: germline.
Comment: This sequence change replaces proline, which is neutral and non-polar, with serine, which is neutral and polar, at codon 939 of the ALG13 protein (p.Pro939Ser). This variant is not present in population databases (gnomAD no frequency). This variant has not been reported in the literature in individuals affected with ALG13-related conditions. An algorithm developed to predict the effect of missense changes on protein structure and function (PolyPhen-2) suggests that this variant is likely to be tolerated. In summary, the available evidence is currently insufficient to determine the role of this variant in disease. Therefore, it has been classified as a Variant of Uncertain Significance.